The following is an entry in ClinVar:

NM_012448.4(STAT5B):c.1130A>G (p.Gln377Arg)

Gene: STAT5B (signal transducer and activator of transcription 5B; minus strand). Cytogenetic location: 17q21.2.
Variant type: single nucleotide variant.
Coding change: c.1130A>G on transcript NM_012448.4 (MANE Select); coding-DNA position 1130, A replaced by G.
Protein change: p.Gln377Arg; replaces glutamine 377 with arginine.
Molecular consequence: missense variant.
Genome position (GRCh38, 1-based): chr17:42,218,190, T>C on the plus strand (A>G on the coding strand, the complement: STAT5B is on the minus strand). VCF-style: chr17-42218190-T-C. GRCh37 (hg19) VCF-style: chr17-40370208-T-C.
Other names: short protein forms Q377R.
Identifiers: ClinVar variation 4699994 (VCV004699994.1).

ClinVar aggregate classification (germline): Uncertain significance (1 of 4 stars; one submission).

Conditions:
Growth hormone insensitivity with immune dysregulation 1, autosomal recessive. Also called: GROWTH HORMONE INSENSITIVITY DUE TO POSTRECEPTOR DEFECT; LARON SYNDROME DUE TO POSTRECEPTOR DEFECT; GROWTH HORMONE INSENSITIVITY SYNDROME WITH IMMUNE DYSREGULATION 1, AUTOSOMAL RECESSIVE; Laron syndrome with immunodeficiency. Identifiers: Orphanet 220465, MedGen C5435698, MONDO:0100211, OMIM 245590.

gnomAD v4.1: 2 of 1,614,088 alleles (0.00012%); highest among the groups gnomAD compares: African/African-American, 0.0027%; no homozygotes.

Submission:

Labcorp Genetics (formerly Invitae), Labcorp
Classification: Uncertain significance for Growth hormone insensitivity with immune dysregulation 1, autosomal recessive. Last evaluated: 2025-10-01. Review status: criteria provided, single submitter. Criteria: Invitae Variant Classification Sherloc (09022015). Collection method: clinical testing. Allele origin: germline.
Comment: This sequence change replaces glutamine, which is neutral and polar, with arginine, which is basic and polar, at codon 377 of the STAT5B protein (p.Gln377Arg). This variant is present in population databases (no rsID available, gnomAD 0.01%). This variant has not been reported in the literature in individuals affected with STAT5B-related conditions. Invitae Evidence Modeling of protein sequence and biophysical properties (such as structural, functional, and spatial information, amino acid conservation, physicochemical variation, residue mobility, and thermodynamic stability) indicates that this missense variant is not expected to disrupt STAT5B protein function with a negative predictive value of 80%. In summary, the available evidence is currently insufficient to determine the role of this variant in disease. Therefore, it has been classified as a Variant of Uncertain Significance.